The following is an entry in ClinVar:

ClinVar aggregate classification (germline): Uncertain significance (1 of 4 stars; one submission).

Conditions:
Epilepsy, familial adult myoclonic, 5 (EPEO5). Also called: CORTICAL MYOCLONIC TREMOR WITH EPILEPSY, FAMILIAL, 5. Identifiers: Orphanet 86814, MedGen C3809374, MONDO:0014167, OMIM 615400.

Allele frequency attached by ClinVar (database versions not stated): gnomAD exomes below 0.00001 and 0.00002; gnomAD 0.00001; TOPMed 0.00001.
gnomAD v4.1: 36 of 1,614,016 alleles (0.0022%); highest among the groups gnomAD compares: Non-Finnish European, 0.0029%; no homozygotes.

Submission:

Labcorp Genetics (formerly Invitae), Labcorp
Classification: Uncertain significance for Epilepsy, familial adult myoclonic, 5. Last evaluated: 2022-05-28. Review status: criteria provided, single submitter. Criteria: Invitae Variant Classification Sherloc (09022015). Collection method: clinical testing. Allele origin: germline.
Comment: In summary, the available evidence is currently insufficient to determine the role of this variant in disease. Therefore, it has been classified as a Variant of Uncertain Significance. Advanced modeling of protein sequence and biophysical properties (such as structural, functional, and spatial information, amino acid conservation, physicochemical variation, residue mobility, and thermodynamic stability) performed at Invitae indicates that this missense variant is not expected to disrupt CNTN2 protein function. ClinVar contains an entry for this variant (Variation ID: 573733). This variant has not been reported in the literature in individuals affected with CNTN2-related conditions. This variant is present in population databases (no rsID available, gnomAD 0.002%). This sequence change replaces serine, which is neutral and polar, with glycine, which is neutral and non-polar, at codon 499 of the CNTN2 protein (p.Ser499Gly).

NM_005076.5(CNTN2):c.1495A>G (p.Ser499Gly)

Gene: CNTN2 (contactin 2; plus strand). Cytogenetic location: 1q32.1.
Variant type: single nucleotide variant.
Coding change: c.1495A>G on transcript NM_005076.5 (MANE Select); coding-DNA position 1495, A replaced by G.
Protein change: p.Ser499Gly; replaces serine 499 with glycine.
Molecular consequence: missense variant. On other transcripts: non-coding transcript variant (1).
Genome position (GRCh38, 1-based): chr1:205,064,726, A>G. VCF-style: chr1-205064726-A-G. GRCh37 (hg19) VCF-style: chr1-205033854-A-G.
Other names: c.1495A>G, p.Ser499Gly (NM_001346083.2); short protein forms S499G.
Identifiers: ClinVar variation 573733 (VCV000573733.6), dbSNP rs1040227835, ClinGen allele CA36372690.